The following is an entry in ClinVar:

NM_001370466.1(NOD2):c.2557A>T (p.Asn853Tyr)

Gene: NOD2 (nucleotide binding oligomerization domain containing 2; plus strand). Cytogenetic location: 16q12.1.
Variant type: single nucleotide variant.
Coding change: c.2557A>T on transcript NM_001370466.1 (MANE Select); coding-DNA position 2557, A replaced by T.
Protein change: p.Asn853Tyr; replaces asparagine 853 with tyrosine.
Molecular consequence: missense variant. On other transcripts: non-coding transcript variant (1).
Genome position (GRCh38, 1-based): chr16:50,719,932, A>T. VCF-style: chr16-50719932-A-T. GRCh37 (hg19) VCF-style: chr16-50753843-A-T.
Other names: c.2557A>T, p.Asn853Tyr (NM_001293557.2); c.2638A>T, p.Asn880Tyr (NM_022162.3); short protein forms N880Y, N853Y.
Identifiers: ClinVar variation 2928579 (VCV002928579.4), dbSNP rs1212452159, ClinGen allele CA395874242.

ClinVar aggregate classification (germline): Uncertain significance. Review status: criteria provided, multiple submitters, no conflicts (2 of 4 stars). 2 submissions from 2 submitters: Uncertain significance (2). Last evaluated 2024-06-04.

Conditions:
Regional enteritis. Also called: Enteritis, Granulomatous. Identifiers: MedGen C0678202, MeSH D003424.
Blau syndrome (BLAUS). Also called: ARTHROCUTANEOUVEAL GRANULOMATOSIS; GRANULOMATOSIS, FAMILIAL JUVENILE SYSTEMIC; GRANULOMATOSIS, FAMILIAL, BLAU TYPE; GRANULOMATOUS INFLAMMATORY ARTHRITIS, DERMATITIS, AND UVEITIS, FAMILIAL; JABS SYNDROME. Identifiers: Orphanet 90340, MedGen C5201146, MONDO:0008523, OMIM 186580.
Inborn genetic diseases. Identifiers: MedGen C0950123, MeSH D030342.

Allele frequency attached by ClinVar (database versions not stated): gnomAD exomes below 0.00001; TOPMed below 0.00001; gnomAD 0.00001.
gnomAD v4.1: 2 of 1,613,940 alleles (0.00012%); highest among the groups gnomAD compares: Non-Finnish European, 0.00017%; no homozygotes.

Submissions (2):

Ambry Genetics
Classification: Uncertain significance for Inborn genetic diseases. Last evaluated: 2024-06-04. Review status: criteria provided, single submitter. Criteria: Ambry Variant Classification Scheme 2023. Collection method: clinical testing. Allele origin: germline.

Labcorp Genetics (formerly Invitae), Labcorp
Classification: Uncertain significance for Regional enteritis; Blau syndrome. Last evaluated: 2023-08-27. Review status: criteria provided, single submitter. Criteria: Invitae Variant Classification Sherloc (09022015). Collection method: clinical testing. Allele origin: germline.
Comment: In summary, the available evidence is currently insufficient to determine the role of this variant in disease. Therefore, it has been classified as a Variant of Uncertain Significance. Advanced modeling of protein sequence and biophysical properties (such as structural, functional, and spatial information, amino acid conservation, physicochemical variation, residue mobility, and thermodynamic stability) performed at Invitae indicates that this missense variant is not expected to disrupt NOD2 protein function. This variant has not been reported in the literature in individuals affected with NOD2-related conditions. This variant is not present in population databases (gnomAD no frequency). This sequence change replaces asparagine, which is neutral and polar, with tyrosine, which is neutral and polar, at codon 880 of the NOD2 protein (p.Asn880Tyr).